The following is an entry in ClinVar:

NM_014141.6(CNTNAP2):c.3289C>T (p.Pro1097Ser)

Gene: CNTNAP2 (contactin associated protein 2; plus strand). Cytogenetic location: 7q36.1.
Variant type: single nucleotide variant.
Coding change: c.3289C>T on transcript NM_014141.6 (MANE Select); coding-DNA position 3289, C replaced by T.
Protein change: p.Pro1097Ser; replaces proline 1097 with serine.
Molecular consequence: missense variant.
Genome position (GRCh38, 1-based): chr7:148,229,687, C>T. VCF-style: chr7-148229687-C-T. GRCh37 (hg19) VCF-style: chr7-147926779-C-T.
Other names: short protein forms P1097S.
Identifiers: ClinVar variation 423369 (VCV000423369.10), dbSNP rs200823464, ClinGen allele CA4546609.

ClinVar aggregate classification (germline): Uncertain significance. Review status: criteria provided, multiple submitters, no conflicts (2 of 4 stars). 5 submissions from 5 submitters: Uncertain significance (5). Last evaluated 2025-11-26.

Conditions:
Cortical dysplasia-focal epilepsy syndrome (PTHSL1). Also called: Pitt-Hopkins-like syndrome 1. Identifiers: Orphanet 163681, Orphanet 221150, MedGen C2750246, MONDO:0012400, OMIM 610042.
Autism, susceptibility to, 15. Also called: Autism susceptibility 15. Identifiers: MedGen C2677504, MONDO:0012801, OMIM 612100.
Inborn genetic diseases. Identifiers: MedGen C0950123, MeSH D030342.

Allele frequency attached by ClinVar (database versions not stated): gnomAD 0.00001 and 0.00002; ExAC 0.00002; gnomAD exomes 0.00002 and 0.00003; TOPMed 0.00002; 1000 Genomes Project 30x 0.00016; 1000 Genomes Project 0.00020.
gnomAD v4.1: 27 of 1,614,140 alleles (0.0017%); highest among the groups gnomAD compares: Admixed American, 0.0083%; no homozygotes.

Submissions (5):

Ambry Genetics
Classification: Uncertain significance for Inborn genetic diseases. Last evaluated: 2025-11-26. Review status: criteria provided, single submitter. Criteria: Ambry Variant Classification Scheme 2023. Collection method: clinical testing. Allele origin: germline.

GeneDx
Classification: Uncertain significance. Last evaluated: 2025-05-10. Review status: criteria provided, single submitter. Criteria: GeneDx Variant Classification Process June 2021. Collection method: clinical testing. Allele origin: germline. Affected: yes.
Comment: Not observed at significant frequency in large population cohorts (gnomAD); In silico analysis supports that this missense variant has a deleterious effect on protein structure/function; Has not been previously published as pathogenic or benign to our knowledge

Blueprint Genetics
Classification: Uncertain significance. Last evaluated: 2021-12-23. Review status: criteria provided, single submitter. Criteria: ACMG Guidelines, 2015. Collection method: clinical testing. Allele origin: germline.

Labcorp Genetics (formerly Invitae), Labcorp
Classification: Uncertain significance for Cortical dysplasia-focal epilepsy syndrome. Last evaluated: 2021-09-24. Review status: criteria provided, single submitter. Criteria: Invitae Variant Classification Sherloc (09022015). Collection method: clinical testing. Allele origin: germline.
Comment: This sequence change replaces proline with serine at codon 1097 of the CNTNAP2 protein (p.Pro1097Ser). The proline residue is highly conserved and there is a moderate physicochemical difference between proline and serine. This variant is present in population databases (rs200823464, ExAC 0.009%). This variant has not been reported in the literature in individuals affected with CNTNAP2-related conditions. ClinVar contains an entry for this variant (Variation ID: 423369). Algorithms developed to predict the effect of missense changes on protein structure and function (SIFT, PolyPhen-2, Align-GVGD) all suggest that this variant is likely to be disruptive. In summary, the available evidence is currently insufficient to determine the role of this variant in disease. Therefore, it has been classified as a Variant of Uncertain Significance.

Fulgent Genetics
Classification: Uncertain significance for Cortical dysplasia-focal epilepsy syndrome; Autism, susceptibility to, 15. Last evaluated: 2018-10-31. Review status: criteria provided, single submitter. Criteria: ACMG Guidelines, 2015. Collection method: clinical testing. Allele origin: unknown.